The following is an entry in ClinVar:

NM_000022.4(ADA):c.845+2T>C

Gene: ADA (adenosine deaminase; minus strand). Cytogenetic location: 20q13.12.
Variant type: single nucleotide variant.
Coding change: c.845+2T>C on transcript NM_000022.4 (MANE Select); the canonical splice donor site of the intron after coding-DNA position 845, T replaced by C.
Molecular consequence: splice donor variant.
Genome position (GRCh38, 1-based): chr20:44,622,586, A>G on the plus strand (T>C on the coding strand, the complement: ADA is on the minus strand). VCF-style: chr20-44622586-A-G. GRCh37 (hg19) VCF-style: chr20-43251227-A-G.
Other names: c.440+2T>C (NM_001322050.2); c.773+2T>C (NM_001322051.2).
Identifiers: ClinVar variation 1346719 (VCV001346719.9), dbSNP rs2123516572, ClinGen allele CA409119805.

ClinVar aggregate classification (germline): Pathogenic/Likely pathogenic. Review status: criteria provided, multiple submitters, no conflicts (2 of 4 stars). 2 submissions from 2 submitters: Pathogenic (1); Likely pathogenic (1). Last evaluated 2025-09-10.

Conditions:
Severe combined immunodeficiency, autosomal recessive, T cell-negative, B cell-negative, NK cell-negative, due to adenosine deaminase deficiency. Also called: ADA-SCID; SCID DUE TO ADA DEFICIENCY; SCID DUE TO ADA DEFICIENCY, EARLY-ONSET; ADA deficiency; Adenosine deaminase deficient severe combined immunodeficiency; Severe combined immunodeficiency due to ADA deficiency. Identifiers: Orphanet 277, MedGen C0392607, MONDO:0007064, OMIM 102700.

Submissions (2):

Myriad Genetics, Inc.
Classification: Likely pathogenic for Severe combined immunodeficiency, autosomal recessive, T cell-negative, B cell-negative, NK cell-negative, due to adenosine deaminase deficiency. Last evaluated: 2025-09-10. Review status: criteria provided, single submitter. Criteria: Myriad Autosomal Dominant, Autosomal Recessive and X-Linked Classification Criteria (2023). Collection method: clinical testing. Allele origin: unknown.
Comment: NM_000022.2(ADA):c.845+2T>C is a variant in a canonical splice site classified as likely pathogenic in the context of adenosine deaminase deficiency. c.845+2T>C has not been observed in cases with relevant disease. Relevant functional assessments of this variant are not available in the literature. c.845+2T>C has not been observed in referenced population frequency databases. In summary, NM_000022.2(ADA):c.845+2T>C is a variant in a canonical splice site in a gene where loss of function is a known mechanism of disease and is predicted to disrupt protein function. Please note: this variant was assessed in the context of healthy population screening.

Labcorp Genetics (formerly Invitae), Labcorp
Classification: Pathogenic for Severe combined immunodeficiency, autosomal recessive, T cell-negative, B cell-negative, NK cell-negative, due to adenosine deaminase deficiency. Last evaluated: 2022-10-28. Review status: criteria provided, single submitter. Criteria: Invitae Variant Classification Sherloc (09022015). Collection method: clinical testing. Allele origin: germline.
Comment: This sequence change affects a donor splice site in intron 9 of the ADA gene. It is expected to disrupt RNA splicing. Variants that disrupt the donor or acceptor splice site typically lead to a loss of protein function (PMID: 16199547), and loss-of-function variants in ADA are known to be pathogenic (PMID: 26255240, 26376800). This variant is not present in population databases (gnomAD no frequency). Disruption of this splice site has been observed in individual(s) with clinical features of severe combined immunodeficiency (PMID: 32135276; Invitae). In at least one individual the data is consistent with being in trans (on the opposite chromosome) from a pathogenic variant. ClinVar contains an entry for this variant (Variation ID: 1346719). Algorithms developed to predict the effect of sequence changes on RNA splicing suggest that this variant may disrupt the consensus splice site. For these reasons, this variant has been classified as Pathogenic.

Literature cited by the submitters: PubMed 16199547 (cited by Labcorp Genetics (formerly Invitae), Labcorp); PubMed 26255240 (cited by Labcorp Genetics (formerly Invitae), Labcorp); PubMed 26376800 (cited by Labcorp Genetics (formerly Invitae), Labcorp); PubMed 32135276 (cited by Labcorp Genetics (formerly Invitae), Labcorp).